The following is an entry in ClinVar:

NM_001142864.4(PIEZO1):c.3805A>G (p.Met1269Val)

Gene: PIEZO1 (piezo type mechanosensitive ion channel component 1 (Er blood group); minus strand). Cytogenetic location: 16q24.3.
Variant type: single nucleotide variant.
Coding change: c.3805A>G on transcript NM_001142864.4 (MANE Select); coding-DNA position 3805, A replaced by G.
Protein change: p.Met1269Val; replaces methionine 1269 with valine.
Molecular consequence: missense variant.
Genome position (GRCh38, 1-based): chr16:88,726,447, T>C on the plus strand (A>G on the coding strand, the complement: PIEZO1 is on the minus strand). VCF-style: chr16-88726447-T-C. GRCh37 (hg19) VCF-style: chr16-88792855-T-C.
Other names: short protein forms M1269V.
Identifiers: ClinVar variation 4991924 (VCV004991924.1).
Genomic context (GRCh38, chr16:88,726,447, plus strand): 5'-TGTCCCAGATGATGCCAGCCTCCTCCACAGGCAGCAGGCAGTCCTGGTCTCTGTCCATCA[T>C]CTCCTTGGCTGCAAGGCAGGCACCGGCAAGGGTCAGGCCCAGGGCCCAGGAGCAGGGGGC-3'
Protein context (NP_001136336.2, residues 1259-1279): TVKGYYDPKE[Met1269Val]MDRDQDCLLP

ClinVar aggregate classification (germline): Uncertain significance (1 of 4 stars; one submission).

Conditions:
PIEZO1-related disorder. Also called: PIEZO1-related condition; PIEZO1-Related Disorders.

Submission:

PreventionGenetics, part of Exact Sciences
Classification: Uncertain significance for PIEZO1-related condition. Last evaluated: 2026-04-09. Review status: criteria provided, single submitter. Criteria: ACMG Guidelines, 2015. Collection method: clinical testing. Allele origin: germline.
Comment: The PIEZO1 c.3805A>G variant is predicted to result in the amino acid substitution p.Met1269Val. To our knowledge, this variant has not been reported in the literature or in a large population database (gnomAD), indicating this variant is rare. At this time, the clinical significance of this variant is uncertain due to the absence of conclusive functional and genetic evidence.